The following is an entry in ClinVar:

NM_014679.5(CEP57):c.952A>G (p.Ser318Gly)

Gene: CEP57 (centrosomal protein 57; plus strand). Cytogenetic location: 11q21.
Variant type: single nucleotide variant.
Coding change: c.952A>G on transcript NM_014679.5 (MANE Select); coding-DNA position 952, A replaced by G.
Protein change: p.Ser318Gly; replaces serine 318 with glycine.
Molecular consequence: missense variant.
Genome position (GRCh38, 1-based): chr11:95,827,852, A>G. VCF-style: chr11-95827852-A-G. GRCh37 (hg19) VCF-style: chr11-95561016-A-G.
Other names: c.952A>G (NM_014679.4); c.925A>G, p.Ser309Gly (NM_001243776.2); c.874A>G, p.Ser292Gly (NM_001243777.2); c.871A>G, p.Ser291Gly (NM_001363604.2); short protein forms S291G, S292G, S309G, S318G.
Identifiers: ClinVar variation 2420833 (VCV002420833.7), dbSNP rs199857540, ClinGen allele CA226586244.

ClinVar aggregate classification (germline): Uncertain significance. Review status: criteria provided, multiple submitters, no conflicts (2 of 4 stars). 2 submissions from 2 submitters: Uncertain significance (2). Last evaluated 2025-03-07.

Conditions:
Inborn genetic diseases. Identifiers: MedGen C0950123, MeSH D030342.
Mosaic variegated aneuploidy syndrome 2 (MVA2). Identifiers: Orphanet 1052, MedGen C3279843, MONDO:0013582, OMIM 614114.

Allele frequency attached by ClinVar (database versions not stated): gnomAD exomes below 0.00001; gnomAD 0.00001; TOPMed 0.00001; ESP Exome Variant Server 0.00008.
gnomAD v4.1: 2 of 1,614,032 alleles (0.00012%); highest among the groups gnomAD compares: African/African-American, 0.0027%; no homozygotes.

Submissions (2):

Ambry Genetics
Classification: Uncertain significance for Inborn genetic diseases. Last evaluated: 2025-03-07. Review status: criteria provided, single submitter. Criteria: Ambry Variant Classification Scheme 2023. Collection method: clinical testing. Allele origin: germline.
Comment: The p.S318G variant (also known as c.952A>G), located in coding exon 9 of the CEP57 gene, results from an A to G substitution at nucleotide position 952. The serine at codon 318 is replaced by glycine, an amino acid with similar properties. This amino acid position is conserved. In addition, this alteration is predicted to be tolerated by in silico analysis. Based on the available evidence, the clinical significance of this variant remains unclear.

Labcorp Genetics (formerly Invitae), Labcorp
Classification: Uncertain significance for Mosaic variegated aneuploidy syndrome 2. Last evaluated: 2022-10-07. Review status: criteria provided, single submitter. Criteria: Invitae Variant Classification Sherloc (09022015). Collection method: clinical testing. Allele origin: germline.
Comment: This sequence change replaces serine, which is neutral and polar, with glycine, which is neutral and non-polar, at codon 318 of the CEP57 protein (p.Ser318Gly). This variant is not present in population databases (gnomAD no frequency). This variant has not been reported in the literature in individuals affected with CEP57-related conditions. Advanced modeling of protein sequence and biophysical properties (such as structural, functional, and spatial information, amino acid conservation, physicochemical variation, residue mobility, and thermodynamic stability) performed at Invitae indicates that this missense variant is not expected to disrupt CEP57 protein function. In summary, the available evidence is currently insufficient to determine the role of this variant in disease. Therefore, it has been classified as a Variant of Uncertain Significance.